The following is an entry in ClinVar:

ClinVar aggregate classification (germline): Uncertain significance. Review status: criteria provided, multiple submitters, no conflicts (2 of 4 stars). 2 submissions from 2 submitters: Uncertain significance (2). Last evaluated 2025-07-09.

Conditions:
Cardiovascular phenotype. Identifiers: MedGen CN230736.

Allele frequency attached by ClinVar (database versions not stated): ExAC 0.00002; gnomAD exomes 0.00006.
gnomAD v4.1: 80 of 1,612,132 alleles (0.005%); highest among the groups gnomAD compares: Non-Finnish European, 0.0067%; no homozygotes.

Submissions (2):

Ambry Genetics
Classification: Uncertain significance for Cardiovascular phenotype. Last evaluated: 2025-07-09. Review status: criteria provided, single submitter. Criteria: Ambry Variant Classification Scheme 2023. Collection method: clinical testing. Allele origin: germline.
Comment: The p.A499V variant (also known as c.1496C>T), located in coding exon 10 of the LMF1 gene, results from a C to T substitution at nucleotide position 1496. The alanine at codon 499 is replaced by valine, an amino acid with similar properties. This amino acid position is conserved. In addition, this alteration is predicted to be tolerated by in silico analysis. Since supporting evidence is limited at this time, the clinical significance of this alteration remains unclear.

Labcorp Genetics (formerly Invitae), Labcorp
Classification: Uncertain significance. Last evaluated: 2023-06-23. Review status: criteria provided, single submitter. Criteria: Invitae Variant Classification Sherloc (09022015). Collection method: clinical testing. Allele origin: germline.
Comment: This sequence change replaces alanine, which is neutral and non-polar, with valine, which is neutral and non-polar, at codon 499 of the LMF1 protein (p.Ala499Val). This variant is present in population databases (rs747600410, gnomAD 0.004%). This variant has not been reported in the literature in individuals affected with LMF1-related conditions. An algorithm developed to predict the effect of missense changes on protein structure and function (PolyPhen-2) suggests that this variant is likely to be disruptive. In summary, the available evidence is currently insufficient to determine the role of this variant in disease. Therefore, it has been classified as a Variant of Uncertain Significance.

NM_022773.4(LMF1):c.1496C>T (p.Ala499Val)

Gene: LMF1 (lipase maturation factor 1; minus strand). Cytogenetic location: 16p13.3.
Variant type: single nucleotide variant.
Coding change: c.1496C>T on transcript NM_022773.4 (MANE Select); coding-DNA position 1496, C replaced by T.
Protein change: p.Ala499Val; replaces alanine 499 with valine.
Molecular consequence: missense variant. On other transcripts: synonymous variant (1), non-coding transcript variant (1).
Genome position (GRCh38, 1-based): chr16:868,977, G>A on the plus strand (C>T on the coding strand, the complement: LMF1 is on the minus strand). VCF-style: chr16-868977-G-A. GRCh37 (hg19) VCF-style: chr16-918977-G-A.
Other names: c.845C>T, p.Ala282Val (NM_001352017.2, NM_001352021.2); c.1097C>T, p.Ala366Val (NM_001352018.2); c.1169C>T, p.Ala390Val (NM_001352019.2); c.1416C>T, p.Gly472= (NM_001352020.1); short protein forms A499V, A366V, A282V, A390V.
Identifiers: ClinVar variation 2562229 (VCV002562229.6), dbSNP rs747600410, ClinGen allele CA7796951.